The following is an entry in ClinVar:

NM_015087.5(SPART):c.1731C>G (p.Tyr577Ter)

Gene: SPART (spartin; minus strand). Cytogenetic location: 13q13.3.
Variant type: single nucleotide variant.
Coding change: c.1731C>G on transcript NM_015087.5 (MANE Select); coding-DNA position 1731, C replaced by G.
Protein change: p.Tyr577Ter; replaces tyrosine 577 with a stop codon.
Molecular consequence: nonsense.
Genome position (GRCh38, 1-based): chr13:36,312,147, G>C on the plus strand (C>G on the coding strand, the complement: SPART is on the minus strand). VCF-style: chr13-36312147-G-C. GRCh37 (hg19) VCF-style: chr13-36886284-G-C.
Other names: c.1731C>G, p.Tyr577Ter (NM_001142294.2, NM_001142295.2, NM_001142296.2); short protein forms Y577*.
Identifiers: ClinVar variation 3907639 (VCV003907639.3).

ClinVar aggregate classification (germline): Uncertain significance. Review status: criteria provided, multiple submitters, no conflicts (2 of 4 stars). 2 submissions from 2 submitters: Uncertain significance (2). Last evaluated 2025-06-30.

Conditions:
Troyer syndrome (SPG20). Identifiers: Orphanet 101000, MedGen C0393559, MONDO:0010156, OMIM 275900.

Submissions (2):

Women's Health and Genetics/Laboratory Corporation of America, LabCorp
Classification: Uncertain significance. Last evaluated: 2025-06-30. Review status: criteria provided, single submitter. Criteria: LabCorp Variant Classification Summary - May 2015. Collection method: clinical testing. Allele origin: germline.
Comment: Variant summary: SPART c.1731C>G (p.Tyr577X) results in a premature termination codon, predicted to cause a truncation of the encoded protein and not involved in nonsense mediated decay. The variant allele was found at a frequency of 8e-06 in 251272 control chromosomes (gnomAD). The available data on variant occurrences in the general population are insufficient to allow any conclusion about variant significance. To our knowledge, no occurrence of c.1731C>G in individuals affected with Troyer Syndrome and no experimental evidence demonstrating its impact on protein function have been reported. No submitters have cited clinical-significance assessments for this variant to ClinVar. Based on the evidence outlined above, the variant was classified as uncertain significance.

Juno Genomics, Hangzhou Juno Genomics, Inc
Classification: Uncertain significance for Troyer syndrome. Review status: criteria provided, single submitter. Criteria: ACMG Guidelines, 2015. Collection method: clinical testing. Allele origin: germline.
Comment: Null variant in a gene where loss of function (LOF) is a known mechanism of disease.;Absent from controls (or at extremely low frequency if recessive) in Genome Aggregation Database.